The following is an entry in ClinVar:

NM_032523.4(OSBPL6):c.2302-4C>T

Gene: OSBPL6 (oxysterol binding protein like 6; plus strand). Cytogenetic location: 2q31.2.
Variant type: single nucleotide variant.
Coding change: c.2302-4C>T on transcript NM_032523.4 (MANE Select); 4 bases into the intron before coding-DNA position 2302, C replaced by T.
Molecular consequence: intron variant.
Genome position (GRCh38, 1-based): chr2:178,391,069, C>T. VCF-style: chr2-178391069-C-T. GRCh37 (hg19) VCF-style: chr2-179255796-C-T.
Other names: c.2377-4C>T (NM_001201480.2); c.2194-4C>T (NM_001201482.2); c.2209-4C>T (NM_001201481.2); c.2314-4C>T (NM_145739.3).
Identifiers: ClinVar variation 2651574 (VCV002651574.24), dbSNP rs74700006, ClinGen allele CA1983529.

ClinVar aggregate classification (germline): Likely benign (1 of 4 stars; one submission).

Allele frequency attached by ClinVar (database versions not stated): 1000 Genomes Project 30x 0.00141; 1000 Genomes Project 0.00160; ExAC 0.00215; gnomAD 0.00235; TOPMed 0.00240; ESP Exome Variant Server 0.00246; gnomAD exomes 0.00298.
gnomAD v4.1: 4,714 of 1,612,472 alleles (0.29%); highest among the groups gnomAD compares: Middle Eastern, 0.51%; 10 homozygotes.

Submission:

CeGaT Center for Human Genetics Tuebingen
Classification: Likely benign. Last evaluated: 2022-09-01. Review status: criteria provided, single submitter. Criteria: CeGaT Center For Human Genetics Tuebingen Variant Classification Criteria Version 2. Collection method: clinical testing. Allele origin: germline. Affected: yes. Observed: 1 variant allele.
Comment: OSBPL6: BP4